The following is an entry in ClinVar:

NM_014604.4(TAX1BP3):c.115C>G (p.Gln39Glu)

Genes: P2RX5-TAX1BP3 (P2RX5-TAX1BP3 readthrough (NMD candidate); minus strand), TAX1BP3 (Tax1 binding protein 3; minus strand). Cytogenetic location: 17p13.2.
Variant type: single nucleotide variant.
Coding change: c.115C>G on transcript NM_014604.4 (MANE Select); coding-DNA position 115, C replaced by G.
Protein change: p.Gln39Glu; replaces glutamine 39 with glutamic acid.
Molecular consequence: missense variant. On other transcripts: non-coding transcript variant (1).
Genome position (GRCh38, 1-based): chr17:3,664,723, G>C on the plus strand (C>G on the coding strand, the complement: TAX1BP3 is on the minus strand). VCF-style: chr17-3664723-G-C. GRCh37 (hg19) VCF-style: chr17-3568017-G-C.
Other names: c.115C>G, p.Gln39Glu (NM_001204698.2); short protein forms Q39E.
Identifiers: ClinVar variation 2038489 (VCV002038489.4), dbSNP rs142167108, ClinGen allele CA8292235.
Genomic context (GRCh38, chr17:3,664,723, plus strand): 5'-CCCCAGACCCCCTCACCTTGTCCGTCTTGTCTTCAGAGAAGGGATTCTGGGAAGGATCCT[G>C]GTCGATTCCACCTCCAATGCTGAAACCCAGGATTAAGTTCTCACCTTGACGCAGCTTGTG-3'
Protein context (NP_055419.1, residues 29-49): LGFSIGGGID[Gln39Glu]DPSQNPFSED

ClinVar aggregate classification (germline): Uncertain significance (1 of 4 stars; one submission).

Allele frequency attached by ClinVar (database versions not stated): TOPMed 0.00009; ESP Exome Variant Server 0.00023.
gnomAD v4.1: 168 of 1,613,674 alleles (0.01%); highest among the groups gnomAD compares: Non-Finnish European, 0.013%; no homozygotes.

Submission:

Labcorp Genetics (formerly Invitae), Labcorp
Classification: Uncertain significance. Last evaluated: 2023-10-03. Review status: criteria provided, single submitter. Criteria: Invitae Variant Classification Sherloc (09022015). Collection method: clinical testing. Allele origin: germline.
Comment: This sequence change replaces glutamine, which is neutral and polar, with glutamic acid, which is acidic and polar, at codon 39 of the TAX1BP3 protein (p.Gln39Glu). This variant is present in population databases (rs142167108, gnomAD 0.01%). This variant has not been reported in the literature in individuals affected with TAX1BP3-related conditions. ClinVar contains an entry for this variant (Variation ID: 2038489). An algorithm developed to predict the effect of missense changes on protein structure and function (PolyPhen-2) suggests that this variant is likely to be disruptive. In summary, the available evidence is currently insufficient to determine the role of this variant in disease. Therefore, it has been classified as a Variant of Uncertain Significance.